The following is an entry in ClinVar:

ClinVar aggregate classification (germline): Pathogenic/Likely pathogenic. Review status: criteria provided, multiple submitters, no conflicts (2 of 4 stars). 4 submissions from 4 submitters: Pathogenic (1); Likely pathogenic (2). 1 of the submissions does not count toward it. Last evaluated 2024-07-08.

Conditions:
Autosomal dominant non-syndromic intellectual disability. Identifiers: Orphanet 178469, MedGen C5680502, MONDO:0015802.
Intellectual disability, autosomal dominant 9 (NESCAVS). Also called: KIF1A-Related Neurodevelopmental Disorder; NESCAV SYNDROME. Identifiers: Orphanet 662367, MedGen C5393830, MONDO:0013656, OMIM 614255.

Submissions (4):

Institute of Medical Genetics and Applied Genomics, University Hospital Tübingen
Classification: Likely pathogenic for Autosomal dominant non-syndromic intellectual disability. Last evaluated: 2024-07-08. Review status: criteria provided, single submitter. Criteria: ACMG Guidelines, 2015. Collection method: clinical testing. Allele origin: germline. Inheritance: Autosomal dominant inheritance. Affected: yes.

SIB Swiss Institute of Bioinformatics
Classification: Likely pathogenic for Intellectual disability, autosomal dominant 9. Last evaluated: 2020-06-15. Review status: criteria provided, single submitter. Criteria: ACMG Guidelines, 2015. Collection method: curation. Allele origin: unknown.
Comment: This variant is interpreted as likely pathogenic for NESCAV syndrome, autosomal dominant. The following ACMG Tag(s) were applied: Absent from controls (or at extremely low frequency if recessive) in Exome Sequencing Project, 1000 Genomes Project, or Exome Aggregation Consortium (PM2); Assumed de novo, but no confirmation of paternity and maternity (PM6); Multiple lines of computational evidence support a deleterious effect on the gene or gene product (PP3); Missense variant in a gene that has a low rate of benign missense variation and in which missense variants are a common mechanism of disease (PP2).

GeneDx
Classification: Pathogenic. Last evaluated: 2017-10-04. Review status: criteria provided, single submitter. Criteria: GeneDx Variant Classification (06012015). Collection method: clinical testing. Allele origin: germline. Affected: yes.
Comment: The G199R variant in the KIF1A gene has been reported previously as a de novo finding in a child with spastic paraplegia with central nervous system involvement (Hotchkiss et al., 2016). The G199R variant is not observed in large population cohorts (Lek et al., 2016). The G199R variant is a non-conservative amino acid substitution, which is likely to impact secondary protein structure as these residues differ in polarity, charge, size and/or other properties. This substitution occurs at a position within the kinesin motor domain that is conserved across species. In silico analysis predicts this variant is probably damaging to the protein structure/function. We interpret G199R as a pathogenic variant.

OMIM
Classification: Pathogenic for NESCAV SYNDROME. Last evaluated: 2020-04-16. Review status: no assertion criteria provided. Collection method: literature only. Allele origin: germline. Not counted in ClinVar's aggregate classification.

Literature cited by the submitters: PubMed 27034427 (cited by SIB Swiss Institute of Bioinformatics and OMIM).

NM_001244008.2(KIF1A):c.595G>A (p.Gly199Arg)

Gene: KIF1A (kinesin family member 1A; minus strand). Cytogenetic location: 2q37.3.
Variant type: single nucleotide variant.
Coding change: c.595G>A on transcript NM_001244008.2 (MANE Select); coding-DNA position 595, G replaced by A.
Protein change: p.Gly199Arg; replaces glycine 199 with arginine.
Molecular consequence: missense variant.
Genome position (GRCh38, 1-based): chr2:240,786,348, C>T on the plus strand (G>A on the coding strand, the complement: KIF1A is on the minus strand). VCF-style: chr2-240786348-C-T. GRCh37 (hg19) VCF-style: chr2-241725765-C-T.
Other names: c.595G>A, p.Gly199Arg (NM_001320705.2, NM_001330289.2, NM_001330290.2 and 20 more transcripts); short protein forms G199R.
Identifiers: ClinVar variation 449043 (VCV000449043.5), dbSNP rs1553638614, ClinGen allele CA351305496.